The following is an entry in ClinVar:

NM_001042681.2(RERE):c.3132T>C (p.Pro1044=)

Gene: RERE (arginine-glutamic acid dipeptide repeats; minus strand). Cytogenetic location: 1p36.23.
Variant type: single nucleotide variant.
Coding change: c.3132T>C on transcript NM_001042681.2 (MANE Select); coding-DNA position 3132, T replaced by C.
Protein change: p.Pro1044=; no amino-acid change (proline 1044 retained).
Molecular consequence: synonymous variant.
Genome position (GRCh38, 1-based): chr1:8,360,375, A>G on the plus strand (T>C on the coding strand, the complement: RERE is on the minus strand). VCF-style: chr1-8360375-A-G. GRCh37 (hg19) VCF-style: chr1-8420435-A-G.
Other names: c.1470T>C, p.Pro490= (NM_001042682.2); c.3132T>C, p.Pro1044= (NM_012102.4).
Identifiers: ClinVar variation 2578560 (VCV002578560.26), dbSNP rs577835550, ClinGen allele CA571249.

ClinVar aggregate classification (germline): Likely benign. Review status: criteria provided, multiple submitters, no conflicts (2 of 4 stars). 2 submissions from 2 submitters: Likely benign (2). Last evaluated 2026-02-01.

Allele frequency attached by ClinVar (database versions not stated): gnomAD exomes 0.00122; gnomAD 0.00131; ExAC 0.00141; 1000 Genomes Project 30x 0.00312; 1000 Genomes Project 0.00319.
gnomAD v4.1: 1,481 of 1,171,316 alleles (0.13%); highest among the groups gnomAD compares: South Asian, 0.89%; 10 homozygotes.

Submissions (2):

CeGaT Center for Human Genetics Tuebingen
Classification: Likely benign. Last evaluated: 2026-02-01. Review status: criteria provided, single submitter. Criteria: CeGaT Center For Human Genetics Tuebingen Variant Classification Criteria Version 2. Collection method: clinical testing. Allele origin: germline. Affected: yes. Observed: 20 variant alleles.
Comment: RERE: BP4, BP7, BS2

Blueprint Genetics
Classification: Likely benign. Last evaluated: 2024-11-07. Review status: criteria provided, single submitter. Criteria: ACMG Guidelines, 2015. Collection method: clinical testing. Allele origin: germline.